The following is an entry in ClinVar:

ClinVar aggregate classification (germline): Pathogenic (1 of 4 stars; one submission).

Submission:

GeneDx
Classification: Pathogenic. Last evaluated: 2022-07-06. Review status: criteria provided, single submitter. Criteria: GeneDx Variant Classification Process June 2021. Collection method: clinical testing. Allele origin: germline. Affected: yes.
Comment: This substitution is predicted to be within the transmembrane segment S2 of the fourth homologous domain; Not observed at significant frequency in large population cohorts (gnomAD); In silico analysis supports that this missense variant has a deleterious effect on protein structure/function; Missense variants in this gene are often considered pathogenic (HGMD); This variant is associated with the following publications: (PMID: 29655203, 25839129, 34004075, 30684875)

NM_001040142.2(SCN2A):c.4718T>C (p.Leu1573Pro)

Gene: SCN2A (sodium voltage-gated channel alpha subunit 2; plus strand). Cytogenetic location: 2q24.3.
Variant type: single nucleotide variant.
Coding change: c.4718T>C on transcript NM_001040142.2 (MANE Select); coding-DNA position 4718, T replaced by C.
Protein change: p.Leu1573Pro; replaces leucine 1573 with proline.
Molecular consequence: missense variant.
Genome position (GRCh38, 1-based): chr2:165,386,912, T>C. VCF-style: chr2-165386912-T-C. GRCh37 (hg19) VCF-style: chr2-166243422-T-C.
Other names: p.L1573P:CTG>CCG; c.4718T>C, p.Leu1573Pro (NM_001040143.2, NM_001371246.1, NM_001371247.1 and 1 more transcripts); short protein forms L1573P.
Identifiers: ClinVar variation 207014 (VCV000207014.5), dbSNP rs796053152, ClinGen allele CA318003.